The following is an entry in ClinVar:

NM_139276.3(STAT3):c.1233+43C>G

Gene: STAT3 (signal transducer and activator of transcription 3; minus strand). Cytogenetic location: 17q21.2.
Variant type: single nucleotide variant.
Coding change: c.1233+43C>G on transcript NM_139276.3 (MANE Select); 43 bases into the intron after coding-DNA position 1233, C replaced by G.
Molecular consequence: intron variant.
Genome position (GRCh38, 1-based): chr17:42,329,511, G>C on the plus strand (C>G on the coding strand, the complement: STAT3 is on the minus strand). VCF-style: chr17-42329511-G-C. GRCh37 (hg19) VCF-style: chr17-40481529-G-C.
Other names: c.1137+43C>G (NM_001384989.1); c.1173+43C>G (NM_001384992.1); c.1233+43C>G (NM_001384984.1, NM_001369519.1, NM_003150.4 and 12 more transcripts); c.1155+43C>G (NM_001384985.1); c.1248+43C>G (NM_001384986.1, NM_001384990.1).
Identifiers: ClinVar variation 1233827 (VCV001233827.8), dbSNP rs2293152, ClinGen allele CA8575401.
Genomic context (GRCh38, chr17:42,329,511, plus strand): 5'-TCAGGGTCTGTAAGAAAAGAAAAAGGCAGGTGTCCTGTGAGGCTCTCCCTAGCCCTCTCC[G>C]GCAGCCAGAGGCCCTTTGTGAAGGGGAGCTCCTCCCACATACCAAGTGTTTGAATTCTGC-3'

ClinVar aggregate classification (germline): Benign. Review status: criteria provided, multiple submitters, no conflicts (2 of 4 stars). 5 submissions from 4 submitters: Benign (5). Last evaluated 2023-11-12.

Conditions:
STAT3-related early-onset multisystem autoimmune disease. Also called: Autoimmune disease, multisystem, infantile-onset, 1. Identifiers: Orphanet 438159, MedGen C4014795, MONDO:0014414, OMIM 615952.
Hyper-IgE recurrent infection syndrome 1, autosomal dominant. Also called: STAT3 Hyper IgE Syndrome; Job's Syndrome; Hyper-IgE recurrent infection syndrome 1; HYPER-IgE SYNDROME 1, AUTOSOMAL DOMINANT, WITH RECURRENT INFECTIONS; JOB SYNDROME. Identifiers: Orphanet 2314, MedGen C2936739, MONDO:0007818, OMIM 147060.

Allele frequency attached by ClinVar (database versions not stated): gnomAD 0.66160; ESP Exome Variant Server 0.68791; 1000 Genomes Project 0.65375; TOPMed 0.65883; 1000 Genomes Project 30x 0.66006.
gnomAD v4.1: 989,571 of 1,613,902 alleles (61%); highest among the groups gnomAD compares: African/African-American, 85%; 307,335 homozygotes.

Submissions (5):

Unidad de Genómica Garrahan, Hospital de Pediatría Garrahan
Classification: Benign. Last evaluated: 2023-11-12. Review status: criteria provided, single submitter. Criteria: ACMG Guidelines, 2015. Collection method: clinical testing. Allele origin: germline. Affected: no. Observed: 72 variant alleles.
Comment: This variant is classified as Benign based on local population frequency. This variant was detected in 75% of patients studied by a panel of primary immunodeficiencies. Number of patients: 72. Only high quality variants are reported.

Genome-Nilou Lab
Classification: Benign for STAT3-related early-onset multisystem autoimmune disease. Last evaluated: 2021-07-15. Review status: criteria provided, single submitter. Criteria: ACMG Guidelines, 2015. Collection method: clinical testing. Allele origin: germline. Affected: no.

Genome-Nilou Lab
Classification: Benign for Hyper-IgE recurrent infection syndrome 1, autosomal dominant. Last evaluated: 2021-07-15. Review status: criteria provided, single submitter. Criteria: ACMG Guidelines, 2015. Collection method: clinical testing. Allele origin: germline. Affected: no.

GeneDx
Classification: Benign. Last evaluated: 2015-03-03. Review status: criteria provided, single submitter. Criteria: GeneDx Variant Classification Process June 2021. Collection method: clinical testing. Allele origin: germline. Affected: yes.

Breakthrough Genomics
Classification: Benign. Review status: criteria provided, single submitter. Criteria: ACMG Guidelines, 2015. Collection method: not provided. Allele origin: germline. Inheritance: Autosomal dominant inheritance. Affected: yes.